The following is an entry in ClinVar:

ClinVar aggregate classification (germline): Pathogenic. Review status: criteria provided, multiple submitters, no conflicts (2 of 4 stars). 2 submissions from 2 submitters: Pathogenic (2). Last evaluated 2025-08-21.

Conditions:
Early-infantile DEE. Also called: Ohtahara syndrome; Early infantile epileptic encephalopathy; Early infantile epileptic encephalopathy with suppression bursts. Identifiers: Orphanet 1934, MedGen C0393706, MONDO:0800491.

Submissions (2):

Labcorp Genetics (formerly Invitae), Labcorp
Classification: Pathogenic for Early-infantile DEE. Last evaluated: 2025-08-21. Review status: criteria provided, single submitter. Criteria: Invitae Variant Classification Sherloc (09022015). Collection method: clinical testing. Allele origin: germline.
Comment: This sequence change replaces alanine, which is neutral and non-polar, with serine, which is neutral and polar, at codon 1319 of the SCN8A protein (p.Ala1319Ser). This variant is not present in population databases (gnomAD no frequency). This missense change has been observed in individual(s) with clinical features of SCN8A-related conditions (PMID: 29655203, 37471090, 38221827; internal data). In at least one individual the variant was observed to be de novo. ClinVar contains an entry for this variant (Variation ID: 207117). Invitae Evidence Modeling of protein sequence and biophysical properties (such as structural, functional, and spatial information, amino acid conservation, physicochemical variation, residue mobility, and thermodynamic stability) indicates that this missense variant is expected to disrupt SCN8A protein function with a positive predictive value of 95%. For these reasons, this variant has been classified as Pathogenic.

GeneDx
Classification: Pathogenic. Last evaluated: 2013-12-04. Review status: criteria provided, single submitter. Criteria: GeneDx Variant Classification (06012015). Collection method: clinical testing. Allele origin: germline. Affected: yes.
Comment: p.Ala1319Ser (GCC>TCC): c.3955 G>T in exon 22 of the SCN8A gene (NM_014191.3).The Ala1319Ser missense change has not been published as a mutation, nor has it been reported as a benign polymorphism to our knowledge. It was not observed in approximately 6,500 individuals of European and African American ancestry in the NHLBI Exome Sequencing Project, indicating it is not a common benign variant in these populations. This variant is a non-conservative amino acid substitution of a non-polar Alanine residue with a polar Serine residue. This variant occurs at a highly conserved position between the S4 and S5 segments in the third transmembrane domain of the SCN8A protein and in silico analysis predicts this variant is probably damaging to the protein structure/function. However, to our knowledge, other missense mutations in the same region of the protein have not been reported in association with epilepsy. This variant has been observed de novo without verified parentage. The variant is found in INFANT-EPI panel(s).

Literature cited by the submitters: PubMed 29655203 (cited by Labcorp Genetics (formerly Invitae), Labcorp); PubMed 37471090 (cited by Labcorp Genetics (formerly Invitae), Labcorp); PubMed 38221827 (cited by Labcorp Genetics (formerly Invitae), Labcorp).

NM_001330260.2(SCN8A):c.3955G>T (p.Ala1319Ser)

Gene: SCN8A (sodium voltage-gated channel alpha subunit 8; plus strand). Cytogenetic location: 12q13.13.
Variant type: single nucleotide variant.
Coding change: c.3955G>T on transcript NM_001330260.2 (MANE Select); coding-DNA position 3955, G replaced by T.
Protein change: p.Ala1319Ser; replaces alanine 1319 with serine.
Molecular consequence: missense variant.
Genome position (GRCh38, 1-based): chr12:51,786,554, G>T. VCF-style: chr12-51786554-G-T. GRCh37 (hg19) VCF-style: chr12-52180338-G-T.
Other names: p.A1319S:GCC>TCC; c.3832G>T, p.Ala1278Ser (NM_001177984.3, NM_001369788.1); c.3955G>T, p.Ala1319Ser (NM_014191.4); short protein forms A1319S, A1278S.
Identifiers: ClinVar variation 207117 (VCV000207117.10), dbSNP rs796053214, ClinGen allele CA318272.